The following is an entry in ClinVar:

NM_001005361.3(DNM2):c.775T>C (p.Phe259Leu)

Gene: DNM2 (dynamin 2; plus strand). Cytogenetic location: 19p13.2.
Variant type: single nucleotide variant.
Coding change: c.775T>C on transcript NM_001005361.3 (MANE Select); coding-DNA position 775, T replaced by C.
Protein change: p.Phe259Leu; replaces phenylalanine 259 with leucine.
Molecular consequence: missense variant.
Genome position (GRCh38, 1-based): chr19:10,783,046, T>C. VCF-style: chr19-10783046-T-C. GRCh37 (hg19) VCF-style: chr19-10893722-T-C.
Other names: c.775T>C, p.Phe259Leu (NM_001005360.3, NM_001005362.3, NM_001190716.2 and 1 more transcripts); short protein forms F259L.
Identifiers: ClinVar variation 3687238 (VCV003687238.2).

ClinVar aggregate classification (germline): Uncertain significance (1 of 4 stars; one submission).

Conditions:
Charcot-Marie-Tooth disease dominant intermediate B (CMTDIB). Also called: Charcot-Marie-Tooth disease dominant intermediate 1; CMT DI1; Charcot-Marie-Tooth disease dominant intermediate I; CHARCOT-MARIE-TOOTH NEUROPATHY, DOMINANT INTERMEDIATE B. Identifiers: Orphanet 100044, Orphanet 228179, MedGen C1847902, MONDO:0011674, OMIM 606482.

Submission:

Labcorp Genetics (formerly Invitae), Labcorp
Classification: Uncertain significance for Charcot-Marie-Tooth disease dominant intermediate B. Last evaluated: 2024-10-13. Review status: criteria provided, single submitter. Criteria: Invitae Variant Classification Sherloc (09022015). Collection method: clinical testing. Allele origin: germline.
Comment: This sequence change replaces phenylalanine, which is neutral and non-polar, with leucine, which is neutral and non-polar, at codon 259 of the DNM2 protein (p.Phe259Leu). This variant is not present in population databases (gnomAD no frequency). This variant has not been reported in the literature in individuals affected with DNM2-related conditions. Invitae Evidence Modeling of protein sequence and biophysical properties (such as structural, functional, and spatial information, amino acid conservation, physicochemical variation, residue mobility, and thermodynamic stability) has been performed for this missense variant. However, the output from this modeling did not meet the statistical confidence thresholds required to predict the impact of this variant on DNM2 protein function. In summary, the available evidence is currently insufficient to determine the role of this variant in disease. Therefore, it has been classified as a Variant of Uncertain Significance.